The following is an entry in ClinVar:

ClinVar aggregate classification (germline): Uncertain significance. Review status: criteria provided, multiple submitters, no conflicts (2 of 4 stars). 2 submissions from 2 submitters: Uncertain significance (2). Last evaluated 2024-11-22.

Conditions:
Hereditary cancer-predisposing syndrome. Also called: Hereditary neoplastic syndrome; Neoplastic Syndromes, Hereditary; Tumor predisposition; Hereditary Cancer Syndrome. Identifiers: Orphanet 140162, MedGen C0027672, MeSH D009386, MONDO:0015356.
Rhabdoid tumor predisposition syndrome 2 (RTPS2). Identifiers: Orphanet 231108, Orphanet 69077, MedGen C2750074, MONDO:0013224, OMIM 613325.

Submissions (2):

Ambry Genetics
Classification: Uncertain significance for Hereditary cancer-predisposing syndrome. Last evaluated: 2024-11-22. Review status: criteria provided, single submitter. Criteria: Ambry Variant Classification Scheme 2023. Collection method: clinical testing. Allele origin: germline.
Comment: The p.D362E variant (also known as c.1086C>A), located in coding exon 5 of the SMARCA4 gene, results from a C to A substitution at nucleotide position 1086. The aspartic acid at codon 362 is replaced by glutamic acid, an amino acid with highly similar properties. This amino acid position is conserved. In addition, the in silico prediction for this alteration is inconclusive. Based on the available evidence, the clinical significance of this variant remains unclear.

Labcorp Genetics (formerly Invitae), Labcorp
Classification: Uncertain significance for Rhabdoid tumor predisposition syndrome 2. Last evaluated: 2022-07-01. Review status: criteria provided, single submitter. Criteria: Invitae Variant Classification Sherloc (09022015). Collection method: clinical testing. Allele origin: germline.
Comment: This sequence change replaces aspartic acid, which is acidic and polar, with glutamic acid, which is acidic and polar, at codon 362 of the SMARCA4 protein (p.Asp362Glu). This variant is not present in population databases (gnomAD no frequency). This variant has not been reported in the literature in individuals affected with SMARCA4-related conditions. ClinVar contains an entry for this variant (Variation ID: 836377). Algorithms developed to predict the effect of missense changes on protein structure and function (SIFT, PolyPhen-2, Align-GVGD) all suggest that this variant is likely to be disruptive. In summary, the available evidence is currently insufficient to determine the role of this variant in disease. Therefore, it has been classified as a Variant of Uncertain Significance.

NM_003072.5(SMARCA4):c.1086C>A (p.Asp362Glu)

Gene: SMARCA4 (SWI/SNF related BAF chromatin remodeling complex subunit ATPase 4; plus strand). Cytogenetic location: 19p13.2.
Variant type: single nucleotide variant.
Coding change: c.1086C>A on transcript NM_003072.5 (MANE Select); coding-DNA position 1086, C replaced by A.
Protein change: p.Asp362Glu; replaces aspartic acid 362 with glutamic acid.
Molecular consequence: missense variant. On other transcripts: non-coding transcript variant (1).
Genome position (GRCh38, 1-based): chr19:10,987,892, C>A. VCF-style: chr19-10987892-C-A. GRCh37 (hg19) VCF-style: chr19-11098568-C-A.
Other names: c.1086C>A, p.Asp362Glu (NM_001128844.3, NM_001128845.2, NM_001128846.2 and 4 more transcripts); short protein forms D362E.
Identifiers: ClinVar variation 836377 (VCV000836377.10), dbSNP rs1599971944, ClinGen allele CA404058842.